The following is an entry in ClinVar:

NM_032520.5(GNPTG):c.178+1G>A

Gene: GNPTG (N-acetylglucosamine-1-phosphate transferase subunit gamma; plus strand). Cytogenetic location: 16p13.3.
Variant type: single nucleotide variant.
Coding change: c.178+1G>A on transcript NM_032520.5 (MANE Select); the canonical splice donor site of the intron after coding-DNA position 178, G replaced by A.
Molecular consequence: splice donor variant.
Genome position (GRCh38, 1-based): chr16:1,352,307, G>A. VCF-style: chr16-1352307-G-A. GRCh37 (hg19) VCF-style: chr16-1402308-G-A.
Identifiers: ClinVar variation 666972 (VCV000666972.4), dbSNP rs1596603769, ClinGen allele CA394184669.

ClinVar aggregate classification (germline): Likely pathogenic (1 of 4 stars; one submission).

Conditions:
Mucolipidosis. Also called: Mucolipidoses. Identifiers: Orphanet 79212, MedGen C0026697, MONDO:0019248.

Submission:

Laboratory for Molecular Medicine, Mass General Brigham Personalized Medicine
Classification: Likely pathogenic for Mucolipidosis. Last evaluated: 2018-10-26. Review status: criteria provided, single submitter. Criteria: LMM Criteria. Collection method: clinical testing. Allele origin: germline. Inheritance: Autosomal recessive inheritance. Observed: 1 variant allele.
Comment: The c.178+1G>A variant in GNPTG has not been previously reported in individuals with Mucolipidosis III gamma and was absent from large population studies. This variant occurs in the invariant region (+/- 1) of the splice consensus sequence and is predicted to cause altered splicing leading to an abnormal or absent prot ein. Biallelic loss of function of GNPTG has been associated with mucolipidosis III gamma. In summary, although additional studies are required to fully establi sh its clinical significance, the c.178+1G>A variant is likely pathogenic. ACMG/ AMP Criteria applied: PVS1_Strong, PM2.